The following is an entry in ClinVar:

ClinVar aggregate classification (germline): Benign (1 of 4 stars; one submission).

Allele frequency attached by ClinVar (database versions not stated): 1000 Genomes Project 0.00080; 1000 Genomes Project 30x 0.00109; gnomAD 0.00234 and 0.00235; TOPMed 0.00254.
gnomAD v4.1: 353 of 152,278 alleles (0.23%); highest among the groups gnomAD compares: Non-Finnish European, 0.42%; 1 homozygote.

Submission:

CeGaT Center for Human Genetics Tuebingen
Classification: Benign. Last evaluated: 2022-07-01. Review status: criteria provided, single submitter. Criteria: CeGaT Center For Human Genetics Tuebingen Variant Classification Criteria Version 2. Collection method: clinical testing. Allele origin: germline. Affected: yes. Observed: 4 variant alleles.
Comment: BRAF: BS1, BS2

NM_004333.6(BRAF):c.1141-497A>G

Gene: BRAF (B-Raf proto-oncogene, serine/threonine kinase; minus strand). Cytogenetic location: 7q34.
Variant type: single nucleotide variant.
Coding change: c.1141-497A>G on transcript NM_004333.6 (MANE Select); 497 bases into the intron before coding-DNA position 1141, A replaced by G.
Molecular consequence: intron variant.
Genome position (GRCh38, 1-based): chr7:140,788,081, T>C on the plus strand (A>G on the coding strand, the complement: BRAF is on the minus strand). VCF-style: chr7-140788081-T-C. GRCh37 (hg19) VCF-style: chr7-140487881-T-C.
Other names: c.1141-497A>G (NM_001378474.1, NM_001378468.1, NM_001354609.2 and 3 more transcripts); c.1039-497A>G (NM_001378470.1); c.877-497A>G (NM_001378475.1); c.1141-4998A>G (NM_001378471.1); c.1150-497A>G (NM_001378467.1); c.985-497A>G (NM_001378472.1, NM_001378473.1).
Identifiers: ClinVar variation 1695213 (VCV001695213.31), dbSNP rs186712243, ClinGen allele CA168095482.